The following is an entry in ClinVar:

ClinVar aggregate classification (germline): Pathogenic (1 of 4 stars; one submission).

Conditions:
Familial hemophagocytic lymphohistiocytosis 5. Also called: STXBP2-Related Familial Hemophagocytic Lymphohistiocytosis (STXBP2-fHLH). Identifiers: Orphanet 540, MedGen C2751293, MONDO:0013135, OMIM 613101.

Submission:

Labcorp Genetics (formerly Invitae), Labcorp
Classification: Pathogenic for Familial hemophagocytic lymphohistiocytosis 5. Last evaluated: 2023-01-13. Review status: criteria provided, single submitter. Criteria: Invitae Variant Classification Sherloc (09022015). Collection method: clinical testing. Allele origin: germline.
Comment: For these reasons, this variant has been classified as Pathogenic. This variant disrupts a region of the STXBP2 protein in which other variant(s) (p.Gly541Ser) have been determined to be pathogenic (PMID: 20558610, 20798128, 20823128, 24194549). This suggests that this is a clinically significant region of the protein, and that variants that disrupt it are likely to be disease-causing. A similar copy number variant has been observed in individual(s) with hemophagocytic lymphohistiocytosis (PMID: 32542393). This variant is a gross deletion of the genomic region encompassing exon(s) 14-19 of the STXBP2 gene, which includes the termination codon. This deletion extends beyond the assayed region for this gene and therefore may encompass additional genes. While this deletion is not anticipated to lead to nonsense mediated decay, it is expected to alter mRNA translation or result in a truncated protein product.

Literature cited by the submitters: PubMed 20558610; PubMed 20798128; PubMed 20823128; PubMed 24194549; PubMed 32542393.

NC_000019.9:g.(?_7709480)_(7712696_?)del

Gene: STXBP2 (syntaxin binding protein 2; plus strand). Cytogenetic location: 19p13.2.
Variant type: Deletion.
Identifiers: ClinVar variation 1451101 (VCV001451101.8).